The following is an entry in ClinVar:

NM_015702.3(MMADHC):c.478+4T>C

Gene: MMADHC (metabolism of cobalamin associated D; minus strand). Cytogenetic location: 2q23.2.
Variant type: single nucleotide variant.
Coding change: c.478+4T>C on transcript NM_015702.3 (MANE Select); 4 bases into the intron after coding-DNA position 478, T replaced by C.
Molecular consequence: intron variant.
Genome position (GRCh38, 1-based): chr2:149,576,433, A>G on the plus strand (T>C on the coding strand, the complement: MMADHC is on the minus strand). VCF-style: chr2-149576433-A-G. GRCh37 (hg19) VCF-style: chr2-150432947-A-G.
Other names: c.478+4T>C (NM_015702.2).
Identifiers: ClinVar variation 4738290 (VCV004738290.2).

ClinVar aggregate classification (germline): Conflicting classifications of pathogenicity. Review status: criteria provided, conflicting classifications (1 of 4 stars). 2 submissions from 2 submitters: Uncertain significance (1); Likely benign (1). Last evaluated 2026-09-06.

Conditions:
Methylmalonic aciduria and homocystinuria type cblD (MAHCD). Also called: METHYLMALONIC ACIDEMIA, cblH TYPE; Methylmalonic aciduria with homocystinuria cblD type. Identifiers: Orphanet 622, Orphanet 79283, MedGen C1848552, MONDO:0010185, OMIM 277410.
MMADHC-related disorder. Also called: MMADHC-related condition.

gnomAD v4.1: 12 of 1,587,166 alleles (0.00076%); highest among the groups gnomAD compares: Non-Finnish European, 0.00095%; no homozygotes.

Submissions (2):

PreventionGenetics, part of Exact Sciences
Classification: Likely benign for MMADHC-related condition. Last evaluated: 2026-09-06. Review status: criteria provided, single submitter. Criteria: ACMG Guidelines, 2015. Collection method: clinical testing. Allele origin: germline.
Comment: This variant is classified as likely benign based on ACMG/AMP sequence variant interpretation guidelines (Richards et al. 2015 PMID: 25741868, with internal and published modifications).

Labcorp Genetics (formerly Invitae), Labcorp
Classification: Uncertain significance for Methylmalonic aciduria and homocystinuria type cblD. Last evaluated: 2025-11-17. Review status: criteria provided, single submitter. Criteria: Invitae Variant Classification Sherloc (09022015). Collection method: clinical testing. Allele origin: germline.
Comment: This sequence change falls in intron 5 of the MMADHC gene. It does not directly change the encoded amino acid sequence of the MMADHC protein. It affects a nucleotide within the consensus splice site. This variant is present in population databases (rs759660977, gnomAD 0.002%). This variant has not been reported in the literature in individuals affected with MMADHC-related conditions. Variants that disrupt the consensus splice site are a relatively common cause of aberrant splicing (PMID: 17576681, 9536098). Algorithms developed to predict the effect of sequence changes on RNA splicing suggest that this variant is not likely to affect RNA splicing. In summary, the available evidence is currently insufficient to determine the role of this variant in disease. Therefore, it has been classified as a Variant of Uncertain Significance.

Literature cited by the submitters: PubMed 17576681 (cited by Labcorp Genetics (formerly Invitae), Labcorp); PubMed 9536098 (cited by Labcorp Genetics (formerly Invitae), Labcorp).